The following is an entry in ClinVar:

ClinVar aggregate classification (germline): Uncertain significance (1 of 4 stars; one submission).

Submission:

Ambry Genetics
Classification: Uncertain significance. Last evaluated: 2022-02-12. Review status: criteria provided, single submitter. Criteria: Ambry Variant Classification Scheme 2023. Collection method: clinical testing. Allele origin: germline.
Comment: The p.H563Y variant (also known as c.1687C>T), located in coding exon 3 of the ALPK2 gene, results from a C to T substitution at nucleotide position 1687. The histidine at codon 563 is replaced by tyrosine, an amino acid with similar properties. This amino acid position is conserved. In addition, this alteration is predicted to be tolerated by in silico analysis. Since supporting evidence is limited at this time, the clinical significance of this alteration remains unclear.

NM_052947.4(ALPK2):c.1687C>T (p.His563Tyr)

Gene: ALPK2 (alpha kinase 2; minus strand). Cytogenetic location: 18q21.31.
Variant type: single nucleotide variant.
Coding change: c.1687C>T on transcript NM_052947.4 (MANE Select); coding-DNA position 1687, C replaced by T.
Protein change: p.His563Tyr; replaces histidine 563 with tyrosine.
Molecular consequence: missense variant.
Genome position (GRCh38, 1-based): chr18:58,579,089, G>A on the plus strand (C>T on the coding strand, the complement: ALPK2 is on the minus strand). VCF-style: chr18-58579089-G-A. GRCh37 (hg19) VCF-style: chr18-56246321-G-A.
Other names: short protein forms H563Y.
Identifiers: ClinVar variation 1778037 (VCV001778037.2), dbSNP rs2518898688, ClinGen allele CA402560858.
Genomic context (GRCh38, chr18:58,579,089, plus strand): 5'-TCTCTCTTTTATCACTCTGGGTTAGTGGGGGCTCAGCAGATTCTTTGGCAGAGCAGAGAT[G>A]AAGGGTACCTTCTGTTGTACTTTCTCTCAGGTTGGCATTCGGCTTCTTGGGATTTCCCTT-3'
Protein context (NP_443179.3, residues 553-573): LRESTTEGTL[His563Tyr]LCSAKESAEP